The following is an entry in ClinVar:

ClinVar aggregate classification (germline): Uncertain significance (1 of 4 stars; one submission).

Conditions:
Deafness-lymphedema-leukemia syndrome. Also called: Emberger syndrome; Lymphedema, primary, with myelodysplasia. Identifiers: Orphanet 3226, MedGen C3279664, MONDO:0013540, OMIM 614038.
Monocytopenia with susceptibility to infections. Also called: MONOCYTOPENIA AND MYCOBACTERIAL INFECTION SYNDROME; MONOCYTOPENIA WITH SUSCEPTIBILITY TO MYCOBACTERIAL, FUNGAL, AND PAPILLOMAVIRUS INFECTIONS AND MYELODYSPLASIA; COMBINED IMMUNODEFICIENCY WITH SUSCEPTIBILITY TO MYCOBACTERIAL, VIRAL, AND FUNGAL INFECTIONS; Dendritic cell, monocyte, B lymphocyte, and natural killer lymphocyte deficiency; IMMUNODEFICIENCY 21; GATA2 DEFICIENCY. Identifiers: Orphanet 228423, MedGen C3280030, MONDO:0013607, OMIM 614172.

Submission:

Labcorp Genetics (formerly Invitae), Labcorp
Classification: Uncertain significance for Monocytopenia with susceptibility to infections; Deafness-lymphedema-leukemia syndrome. Last evaluated: 2021-10-06. Review status: criteria provided, single submitter. Criteria: Invitae Variant Classification Sherloc (09022015). Collection method: clinical testing. Allele origin: germline.
Comment: This sequence change replaces glycine with cysteine at codon 101 of the GATA2 protein (p.Gly101Cys). The glycine residue is moderately conserved and there is a large physicochemical difference between glycine and cysteine. In summary, the available evidence is currently insufficient to determine the role of this variant in disease. Therefore, it has been classified as a Variant of Uncertain Significance. This variant is not present in population databases (ExAC no frequency). This variant has not been reported in the literature in individuals affected with GATA2-related conditions. Algorithms developed to predict the effect of missense changes on protein structure and function are either unavailable or do not agree on the potential impact of this missense change (SIFT: "Deleterious"; PolyPhen-2: "Possibly Damaging"; Align-GVGD: "Class C0").

NM_032638.5(GATA2):c.301G>T (p.Gly101Cys)

Gene: GATA2 (GATA binding protein 2; minus strand). Cytogenetic location: 3q21.3.
Variant type: single nucleotide variant.
Coding change: c.301G>T on transcript NM_032638.5 (MANE Select); coding-DNA position 301, G replaced by T.
Protein change: p.Gly101Cys; replaces glycine 101 with cysteine.
Molecular consequence: missense variant.
Genome position (GRCh38, 1-based): chr3:128,486,297, C>A on the plus strand (G>T on the coding strand, the complement: GATA2 is on the minus strand). VCF-style: chr3-128486297-C-A. GRCh37 (hg19) VCF-style: chr3-128205140-C-A.
Other names: c.301G>T, p.Gly101Cys (NM_001145661.2, NM_001145662.1); short protein forms G101C.
Identifiers: ClinVar variation 1061603 (VCV001061603.7), dbSNP rs1420466869, ClinGen allele CA354407479.